The following is an entry in ClinVar:

NM_001378418.1(TCF20):c.5451T>G (p.Ser1817Arg)

Gene: TCF20 (transcription factor 20; minus strand). Cytogenetic location: 22q13.2.
Variant type: single nucleotide variant.
Coding change: c.5451T>G on transcript NM_001378418.1 (MANE Select); coding-DNA position 5451, T replaced by G.
Protein change: p.Ser1817Arg; replaces serine 1817 with arginine.
Molecular consequence: missense variant.
Genome position (GRCh38, 1-based): chr22:42,209,855, A>C on the plus strand (T>G on the coding strand, the complement: TCF20 is on the minus strand). VCF-style: chr22-42209855-A-C. GRCh37 (hg19) VCF-style: chr22-42605861-A-C.
Other names: c.5451T>G (NM_005650.1, NM_181492.2); c.5451T>G, p.Ser1817Arg (NM_005650.4, NM_181492.3); short protein forms S1817R.
Identifiers: ClinVar variation 2921143 (VCV002921143.4), dbSNP rs1920926710, ClinGen allele CA411781413.

ClinVar aggregate classification (germline): Conflicting classifications of pathogenicity. Review status: criteria provided, conflicting classifications (1 of 4 stars). 4 submissions from 4 submitters: Uncertain significance (3); Likely benign (1). Last evaluated 2026-09-01.

Conditions:
Developmental delay with variable intellectual impairment and behavioral abnormalities. Identifiers: MedGen C5193092, MONDO:0032745, OMIM 618430.
Inborn genetic diseases. Identifiers: MedGen C0950123, MeSH D030342.

Allele frequency attached by ClinVar (database versions not stated): gnomAD 0.00001; gnomAD exomes 0.00001; TOPMed 0.00001.
gnomAD v4.1: 9 of 1,614,042 alleles (0.00056%); highest among the groups gnomAD compares: Non-Finnish European, 0.00076%; no homozygotes.

Submissions (4):

CeGaT Center for Human Genetics Tuebingen
Classification: Likely benign. Last evaluated: 2026-09-01. Review status: criteria provided, single submitter. Criteria: CeGaT Center For Human Genetics Tuebingen Variant Classification Criteria Version 2. Collection method: clinical testing. Allele origin: germline. Affected: yes. Observed: 1 variant allele.
Comment: TCF20: BP4

Ambry Genetics
Classification: Uncertain significance for Inborn genetic diseases. Last evaluated: 2025-01-31. Review status: criteria provided, single submitter. Criteria: Ambry Variant Classification Scheme 2023. Collection method: clinical testing. Allele origin: germline.

ARUP Laboratories, Molecular Genetics and Genomics, ARUP Laboratories
Classification: Uncertain significance for Developmental delay with variable intellectual impairment and behavioral abnormalities. Last evaluated: 2023-11-01. Review status: criteria provided, single submitter. Criteria: ARUP Molecular Germline Variant Investigation Process 2024. Collection method: clinical testing. Allele origin: germline.

Pittsburgh Clinical Genomics Laboratory, University of Pittsburgh Medical Center
Classification: Uncertain significance for Developmental delay with variable intellectual impairment and behavioral abnormalities. Last evaluated: 2023-08-02. Review status: criteria provided, single submitter. Criteria: ACMG Guidelines, 2015. Collection method: clinical testing. Allele origin: germline. Inheritance: Autosomal dominant inheritance. Affected: yes.
Comment: This sequence variant is a single nucleotide substitution (T>G) at coding position 5451 of the coding sequence of the TCF20 gene that results in a serine to arginine amino acid change at residue 1817 of the TCF20 protein. The Ser1817 residue falls in the extended plant homeodomain (PMID: 30739909) which plays a critical role in regulating gene expression (PMID: 22081970). To our knowledge, this variant has not been observed in an individual affected by a TCF20-related disorder in the published literature. Multiple bioinformatic tools predict that this serine to arginine amino acid change would be damaging, though the Ser1817 residue is moderately conserved across the vertebrate species examined. Studies examining the functiol consequence of this variant have not been published, to our knowledge. At this time, there is insufficient evidence to determine if this variant is pathogenic or benign. Therefore, we consider this a variant of uncertain significance. ACMG Criteria: BP1, PM2, PP3

Literature cited by the submitters: PubMed 30739909 (cited by Pittsburgh Clinical Genomics Laboratory, University of Pittsburgh Medical Center); PubMed 22081970 (cited by Pittsburgh Clinical Genomics Laboratory, University of Pittsburgh Medical Center).